The following is an entry in ClinVar:

NM_001378454.1(ALMS1):c.6004_6090dup (p.His2002_Val2030dup)

Gene: ALMS1 (ALMS1 centrosome and basal body associated protein; plus strand). Cytogenetic location: 2p13.1.
Variant type: Duplication.
Coding change: c.6004_6090dup on transcript NM_001378454.1 (MANE Select); coding-DNA positions 6004 to 6090, 87 bases duplicated.
Protein change: p.His2002_Val2030dup.
Molecular consequence: inframe insertion.
Genome position (GRCh38, 1-based): chr2:73,452,531-73,452,617, 87 bases duplicated. GRCh37 (hg19): chr2:73,679,658-73,679,744.
Other names: c.6007_6093dup, p.His2003_Val2031dup (NM_015120.4).
Identifiers: ClinVar variation 1395654 (VCV001395654.3), dbSNP rs2103788416, ClinGen allele CA2573135755.

ClinVar aggregate classification (germline): Uncertain significance (1 of 4 stars; one submission).

Conditions:
Alstrom syndrome (ALMS). Identifiers: Orphanet 64, MedGen C0268425, MONDO:0008763, OMIM 203800.

Submission:

Labcorp Genetics (formerly Invitae), Labcorp
Classification: Uncertain significance for Alstrom syndrome. Last evaluated: 2022-08-16. Review status: criteria provided, single submitter. Criteria: Invitae Variant Classification Sherloc (09022015). Collection method: clinical testing. Allele origin: germline.
Comment: This variant, c.6007_6093dup, results in the insertion of 29 amino acid(s) of the ALMS1 protein (p.His2003_Val2031dup), but otherwise preserves the integrity of the reading frame. This variant is not present in population databases (gnomAD no frequency). This variant has not been reported in the literature in individuals affected with ALMS1-related conditions. ClinVar contains an entry for this variant (Variation ID: 1395654). Experimental studies and prediction algorithms are not available or were not evaluated, and the functional significance of this variant is currently unknown. In summary, the available evidence is currently insufficient to determine the role of this variant in disease. Therefore, it has been classified as a Variant of Uncertain Significance.